The following is an entry in ClinVar:

NM_003742.4(ABCB11):c.1489C>T (p.Gln497Ter)

Gene: ABCB11 (ATP binding cassette subfamily B member 11; minus strand). Cytogenetic location: 2q31.1.
Variant type: single nucleotide variant.
Coding change: c.1489C>T on transcript NM_003742.4 (MANE Select); coding-DNA position 1489, C replaced by T.
Protein change: p.Gln497Ter; replaces glutamine 497 with a stop codon.
Molecular consequence: nonsense.
Genome position (GRCh38, 1-based): chr2:168,971,996, G>A on the plus strand (C>T on the coding strand, the complement: ABCB11 is on the minus strand). VCF-style: chr2-168971996-G-A. GRCh37 (hg19) VCF-style: chr2-169828506-G-A.
Other names: short protein forms Q497*.
Identifiers: ClinVar variation 4846127 (VCV004846127.1), dbSNP rs267598993.

ClinVar aggregate classification (germline): Pathogenic (1 of 4 stars; one submission).

Conditions:
Familial intrahepatic cholestasis. Identifiers: Orphanet 284385, MedGen CN296401, MONDO:0017290.

Submission:

Genomenon, Inc
Classification: Pathogenic for Familial intrahepatic cholestasis. Last evaluated: 2026-04-14. Review status: criteria provided, single submitter. Criteria: Genomenon Sequence Variant Interpretation Standards - Updated. Collection method: curation. Allele origin: germline. Affected: yes.
Comment: ABCB11 p.Gln497Ter (c.1489C>T) is a nonsense variant that introduces a premature stop codon at amino acid position 497, creating a truncated protein that is predicted to undergo nonsense-mediated mRNA decay. This variant has been observed in at least one proband with an ABCB11-related disorder (PMID:27706244). It is absent or not present at a significant frequency in gnomAD. In conclusion, we classify ABCB11 p.Gln497Ter (c.1489C>T) as a pathogenic variant.

Literature cited by the submitters: PubMed 27706244.